The following is an entry in ClinVar:

NM_005876.5(SPEG):c.2088G>C (p.Arg696=)

Gene: SPEG (striated muscle enriched protein kinase; plus strand). Cytogenetic location: 2q35.
Variant type: single nucleotide variant.
Coding change: c.2088G>C on transcript NM_005876.5 (MANE Select); coding-DNA position 2088, G replaced by C.
Protein change: p.Arg696=; no amino-acid change (arginine 696 retained).
Molecular consequence: synonymous variant.
Genome position (GRCh38, 1-based): chr2:219,449,246, G>C. VCF-style: chr2-219449246-G-C. GRCh37 (hg19) VCF-style: chr2-220313968-G-C.
Identifiers: ClinVar variation 756059 (VCV000756059.6), dbSNP rs1575060002, ClinGen allele CA431289667.

ClinVar aggregate classification (germline): Likely benign. Review status: criteria provided, single submitter (1 of 4 stars). 2 submissions from 2 submitters: Likely benign (1). 1 of the submissions does not count toward it. Last evaluated 2025-08-05.

Conditions:
SPEG-related disorder. Also called: SPEG-related condition.

gnomAD v4.1: 5 of 1,391,760 alleles (0.00036%); highest among the groups gnomAD compares: Middle Eastern, 0.026%; no homozygotes.

Submissions (2):

Labcorp Genetics (formerly Invitae), Labcorp
Classification: Likely benign. Last evaluated: 2025-08-05. Review status: criteria provided, single submitter. Criteria: Invitae Variant Classification Sherloc (09022015). Collection method: clinical testing. Allele origin: germline.

PreventionGenetics, part of Exact Sciences
Classification: Likely benign for SPEG-related condition. Last evaluated: 2019-05-08. Review status: no assertion criteria provided. Collection method: clinical testing. Allele origin: germline. Not counted in ClinVar's aggregate classification.
Comment: This variant is classified as likely benign based on ACMG/AMP sequence variant interpretation guidelines (Richards et al. 2015 PMID: 25741868, with internal and published modifications).